The following is an entry in ClinVar:

ClinVar aggregate classification (germline): Pathogenic (1 of 4 stars; one submission).

Conditions:
Ellis-van Creveld syndrome (EVC). Also called: Chondroectodermal dysplasia; EVC-Related Ellis-van Creveld Syndrome; EVC2-Related Ellis-van Creveld Syndrome; MESOECTODERMAL DYSPLASIA. Identifiers: Orphanet 289, MedGen C0013903, MONDO:0009162, OMIM 225500.
Curry-Hall syndrome (WAD). Also called: WEYERS ACRODENTAL DYSOSTOSIS. Identifiers: Orphanet 952, MedGen C0457013, MONDO:0008673, OMIM 193530.

Allele frequency attached by ClinVar (database versions not stated): gnomAD 0.00001.
gnomAD v4.1: 6 of 1,614,134 alleles (0.00037%); highest among the groups gnomAD compares: Non-Finnish European, 0.00042%; no homozygotes.

Submission:

Labcorp Genetics (formerly Invitae), Labcorp
Classification: Pathogenic for Curry-Hall syndrome; Ellis-van Creveld syndrome. Last evaluated: 2022-06-13. Review status: criteria provided, single submitter. Criteria: Invitae Variant Classification Sherloc (09022015). Collection method: clinical testing. Allele origin: germline.
Comment: For these reasons, this variant has been classified as Pathogenic. This sequence change creates a premature translational stop signal (p.Lys278*) in the EVC2 gene. It is expected to result in an absent or disrupted protein product. Loss-of-function variants in EVC2 are known to be pathogenic (PMID: 17024374, 19810119, 19876929). This variant is not present in population databases (gnomAD no frequency). This variant has not been reported in the literature in individuals affected with EVC2-related conditions. Algorithms developed to predict the effect of sequence changes on RNA splicing suggest that this variant may create or strengthen a splice site.

Literature cited by the submitters: PubMed 17024374; PubMed 19810119; PubMed 19876929.

NM_147127.5(EVC2):c.832A>T (p.Lys278Ter)

Gene: EVC2 (EvC ciliary complex subunit 2; minus strand). Cytogenetic location: 4p16.2.
Variant type: single nucleotide variant.
Coding change: c.832A>T on transcript NM_147127.5 (MANE Select); coding-DNA position 832, A replaced by T.
Protein change: p.Lys278Ter; replaces lysine 278 with a stop codon.
Molecular consequence: nonsense.
Genome position (GRCh38, 1-based): chr4:5,681,298, T>A on the plus strand (A>T on the coding strand, the complement: EVC2 is on the minus strand). VCF-style: chr4-5681298-T-A. GRCh37 (hg19) VCF-style: chr4-5683025-T-A.
Other names: c.592A>T, p.Lys198Ter (NM_001166136.2); short protein forms K198*, K278*.
Identifiers: ClinVar variation 1428691 (VCV001428691.7), dbSNP rs942590430, ClinGen allele CA356145791.